The following is an entry in ClinVar:

NM_001567.4(INPPL1):c.2122+3del

Gene: INPPL1 (inositol polyphosphate phosphatase like 1; plus strand). Cytogenetic location: 11q13.4.
Variant type: Deletion.
Coding change: c.2122+3del on transcript NM_001567.4 (MANE Select); 3 bases into the intron after coding-DNA position 2122, one base deleted (C; older notation c.2122+3delC).
Molecular consequence: intron variant.
Genome position (GRCh38, 1-based): chr11:72,233,525, C deleted. VCF-style (leftmost placement, unchanged base first): chr11-72233524-TC-T. GRCh37 (hg19) VCF-style: chr11-71944568-TC-T.
Identifiers: ClinVar variation 3632791 (VCV003632791.2).

ClinVar aggregate classification (germline): Uncertain significance (1 of 4 stars; one submission).

Submission:

Labcorp Genetics (formerly Invitae), Labcorp
Classification: Uncertain significance. Last evaluated: 2024-02-13. Review status: criteria provided, single submitter. Criteria: Invitae Variant Classification Sherloc (09022015). Collection method: clinical testing. Allele origin: germline.
Comment: This sequence change falls in intron 18 of the INPPL1 gene. It does not directly change the encoded amino acid sequence of the INPPL1 protein. It affects a nucleotide within the consensus splice site. This variant is not present in population databases (gnomAD no frequency). This variant has not been reported in the literature in individuals affected with INPPL1-related conditions. Variants that disrupt the consensus splice site are a relatively common cause of aberrant splicing (PMID: 17576681, 9536098). Algorithms developed to predict the effect of sequence changes on RNA splicing suggest that this variant is not likely to affect RNA splicing. In summary, the available evidence is currently insufficient to determine the role of this variant in disease. Therefore, it has been classified as a Variant of Uncertain Significance.

Literature cited by the submitters: PubMed 17576681; PubMed 9536098.